The following is an entry in ClinVar:

NM_001378454.1(ALMS1):c.9573T>A (p.Ala3191=)

Gene: ALMS1 (ALMS1 centrosome and basal body associated protein; plus strand). Cytogenetic location: 2p13.1.
Variant type: single nucleotide variant.
Coding change: c.9573T>A on transcript NM_001378454.1 (MANE Select); coding-DNA position 9573, T replaced by A.
Protein change: p.Ala3191=; no amino-acid change (alanine 3191 retained).
Molecular consequence: synonymous variant.
Genome position (GRCh38, 1-based): chr2:73,519,808, T>A. VCF-style: chr2-73519808-T-A. GRCh37 (hg19) VCF-style: chr2-73746935-T-A.
Other names: c.9576T>A, p.Ala3192= (NM_015120.4).
Identifiers: ClinVar variation 3356214 (VCV003356214.1).

ClinVar aggregate classification (germline): Uncertain significance (0 of 4 stars; one submission).

Conditions:
ALMS1-related disorder. Also called: ALMS1-related condition.

Submission:

PreventionGenetics, part of Exact Sciences
Classification: Uncertain significance for ALMS1-related condition. Last evaluated: 2024-02-02. Review status: no assertion criteria provided. Collection method: clinical testing. Allele origin: germline.
Comment: The ALMS1 c.9576T>A variant is not predicted to result in an amino acid change (p.=). To our knowledge, this variant has not been reported in the literature. This variant is reported in 0.00088% of alleles in individuals of European (Non-Finnish) descent in gnomAD. This variant is predicted to alter splicing based on available splicing prediction software (Alamut v1.6.1). However, the use of computer prediction softwares is not equivalent to functional evidence At this time, the clinical significance of this variant is uncertain due to the absence of conclusive functional and genetic evidence.